The following is an entry in ClinVar:

NM_006662.3(SRCAP):c.5723G>C (p.Ser1908Thr)

Gene: SRCAP (Snf2 related CREBBP activator protein; plus strand). Cytogenetic location: 16p11.2.
Variant type: single nucleotide variant.
Coding change: c.5723G>C on transcript NM_006662.3 (MANE Select); coding-DNA position 5723, G replaced by C.
Protein change: p.Ser1908Thr; replaces serine 1908 with threonine.
Molecular consequence: missense variant.
Genome position (GRCh38, 1-based): chr16:30,729,030, G>C. VCF-style: chr16-30729030-G-C. GRCh37 (hg19) VCF-style: chr16-30740351-G-C.
Other names: short protein forms S1908T.
Identifiers: ClinVar variation 2100486 (VCV002100486.4), dbSNP rs2053089020, ClinGen allele CA395621196.

ClinVar aggregate classification (germline): Uncertain significance (1 of 4 stars; one submission).

Allele frequency attached by ClinVar (database versions not stated): gnomAD exomes below 0.00001; TOPMed 0.00001.
gnomAD v4.1: 4 of 1,614,150 alleles (0.00025%); highest among the groups gnomAD compares: Non-Finnish European, 0.00034%; no homozygotes.

Submission:

Labcorp Genetics (formerly Invitae), Labcorp
Classification: Uncertain significance. Last evaluated: 2025-05-09. Review status: criteria provided, single submitter. Criteria: Invitae Variant Classification Sherloc (09022015). Collection method: clinical testing. Allele origin: germline.
Comment: This sequence change replaces serine, which is neutral and polar, with threonine, which is neutral and polar, at codon 1908 of the SRCAP protein (p.Ser1908Thr). This variant is not present in population databases (gnomAD no frequency). This variant has not been reported in the literature in individuals affected with SRCAP-related conditions. ClinVar contains an entry for this variant (Variation ID: 2100486). Invitae Evidence Modeling of protein sequence and biophysical properties (such as structural, functional, and spatial information, amino acid conservation, physicochemical variation, residue mobility, and thermodynamic stability) indicates that this missense variant is not expected to disrupt SRCAP protein function with a negative predictive value of 80%. In summary, the available evidence is currently insufficient to determine the role of this variant in disease. Therefore, it has been classified as a Variant of Uncertain Significance.